The following is an entry in ClinVar:

ClinVar aggregate classification (germline): Uncertain significance (1 of 4 stars; one submission).

Submission:

Labcorp Genetics (formerly Invitae), Labcorp
Classification: Uncertain significance. Last evaluated: 2022-08-30. Review status: criteria provided, single submitter. Criteria: Invitae Variant Classification Sherloc (09022015). Collection method: clinical testing. Allele origin: germline.
Comment: In summary, the available evidence is currently insufficient to determine the role of this variant in disease. Therefore, it has been classified as a Variant of Uncertain Significance. Algorithms developed to predict the effect of missense changes on protein structure and function are either unavailable or do not agree on the potential impact of this missense change (SIFT: "Deleterious"; PolyPhen-2: "Probably Damaging"; Align-GVGD: "Class C0"). This variant has not been reported in the literature in individuals affected with TTLL5-related conditions. This variant is present in population databases (no rsID available, gnomAD 0.003%). This sequence change replaces leucine, which is neutral and non-polar, with proline, which is neutral and non-polar, at codon 546 of the TTLL5 protein (p.Leu546Pro).

NM_015072.5(TTLL5):c.1637T>C (p.Leu546Pro)

Gene: TTLL5 (tubulin tyrosine ligase like 5; plus strand). Cytogenetic location: 14q24.3.
Variant type: single nucleotide variant.
Coding change: c.1637T>C on transcript NM_015072.5 (MANE Select); coding-DNA position 1637, T replaced by C.
Protein change: p.Leu546Pro; replaces leucine 546 with proline.
Molecular consequence: missense variant.
Genome position (GRCh38, 1-based): chr14:75,764,701, T>C. VCF-style: chr14-75764701-T-C. GRCh37 (hg19) VCF-style: chr14-76231044-T-C.
Other names: short protein forms L546P.
Identifiers: ClinVar variation 2012712 (VCV002012712.4), dbSNP rs1402455515, ClinGen allele CA390466409.